The following is an entry in ClinVar:

ClinVar aggregate classification (germline): Uncertain significance (1 of 4 stars; one submission).

Conditions:
Myofibrillar myopathy 4. Also called: Zaspopathy (type). Identifiers: Orphanet 98912, MedGen C4721886, MONDO:0012277, OMIM 609452.

Allele frequency attached by ClinVar (database versions not stated): gnomAD exomes below 0.00001.
gnomAD v4.1: 2 of 1,614,120 alleles (0.00012%); highest among the groups gnomAD compares: East Asian, 0.0022%; no homozygotes.

Submission:

Labcorp Genetics (formerly Invitae), Labcorp
Classification: Uncertain significance for Myofibrillar myopathy 4. Last evaluated: 2022-05-17. Review status: criteria provided, single submitter. Criteria: Invitae Variant Classification Sherloc (09022015). Collection method: clinical testing. Allele origin: germline.
Comment: The LDB3 gene has multiple clinically relevant transcripts. This variant occurs in alternate transcript NM_007078.3:c.1858-15G>A, and corresponds to NM_001080116.1:c.*19338G>A in the primary transcript. This sequence change falls in intron 11 of the LDB3 gene. It does not directly change the encoded amino acid sequence of the LDB3 protein. This variant is not present in population databases (gnomAD no frequency). This variant has not been reported in the literature in individuals affected with LDB3-related conditions. Experimental studies and prediction algorithms are not available or were not evaluated, and the effect of this variant on mRNA splicing is currently unknown. In summary, the available evidence is currently insufficient to determine the role of this variant in disease. Therefore, it has been classified as a Variant of Uncertain Significance.

NM_007078.3(LDB3):c.1858-15G>A

Gene: LDB3 (LIM domain binding 3; plus strand). Cytogenetic location: 10q23.2.
Variant type: single nucleotide variant.
Coding change: c.1858-15G>A on transcript NM_007078.3 (MANE Select); 15 bases into the intron before coding-DNA position 1858, G replaced by A.
Molecular consequence: intron variant.
Genome position (GRCh38, 1-based): chr10:86,718,712, G>A. VCF-style: chr10-86718712-G-A. GRCh37 (hg19) VCF-style: chr10-88478469-G-A.
Other names: c.1669-15G>A (NM_001368064.1, NM_001368065.1); c.1873-15G>A (NM_001171610.2); c.1717-15G>A (NM_001368066.1); c.1528-15G>A (NM_001080114.2).
Identifiers: ClinVar variation 2181707 (VCV002181707.4), dbSNP rs960442267, ClinGen allele CA211209809.